The following is an entry in ClinVar:

NM_001854.4(COL11A1):c.914A>G (p.Asp305Gly)

Gene: COL11A1 (collagen type XI alpha 1 chain; minus strand). Cytogenetic location: 1p21.1.
Variant type: single nucleotide variant.
Coding change: c.914A>G on transcript NM_001854.4 (MANE Select); coding-DNA position 914, A replaced by G.
Protein change: p.Asp305Gly; replaces aspartic acid 305 with glycine.
Molecular consequence: missense variant. On other transcripts: non-coding transcript variant (1), intron variant (1).
Genome position (GRCh38, 1-based): chr1:103,025,597, T>C on the plus strand (A>G on the coding strand, the complement: COL11A1 is on the minus strand). VCF-style: chr1-103025597-T-C. GRCh37 (hg19) VCF-style: chr1-103491153-T-C.
Other names: c.797A>G, p.Asp266Gly (NM_001190709.2); c.950A>G, p.Asp317Gly (NM_080629.3); c.897+619A>G (NM_080630.4); short protein forms D266G, D305G, D317G.
Identifiers: ClinVar variation 2817236 (VCV002817236.3), dbSNP rs2525608649, ClinGen allele CA341155671.

ClinVar aggregate classification (germline): Uncertain significance (1 of 4 stars; one submission).

Submission:

Labcorp Genetics (formerly Invitae), Labcorp
Classification: Uncertain significance. Last evaluated: 2023-08-28. Review status: criteria provided, single submitter. Criteria: Invitae Variant Classification Sherloc (09022015). Collection method: clinical testing. Allele origin: germline.
Comment: This variant has not been reported in the literature in individuals affected with COL11A1-related conditions. Advanced modeling of protein sequence and biophysical properties (such as structural, functional, and spatial information, amino acid conservation, physicochemical variation, residue mobility, and thermodynamic stability) performed at Invitae indicates that this missense variant is not expected to disrupt COL11A1 protein function. In summary, the available evidence is currently insufficient to determine the role of this variant in disease. Therefore, it has been classified as a Variant of Uncertain Significance. This variant is not present in population databases (gnomAD no frequency). This sequence change replaces aspartic acid, which is acidic and polar, with glycine, which is neutral and non-polar, at codon 305 of the COL11A1 protein (p.Asp305Gly).